The following is an entry in ClinVar:

NM_004525.3(LRP2):c.7277A>G (p.Tyr2426Cys)

Gene: LRP2 (LDL receptor related protein 2; minus strand). Cytogenetic location: 2q31.1.
Variant type: single nucleotide variant.
Coding change: c.7277A>G on transcript NM_004525.3 (MANE Select); coding-DNA position 7277, A replaced by G.
Protein change: p.Tyr2426Cys; replaces tyrosine 2426 with cysteine.
Molecular consequence: missense variant.
Genome position (GRCh38, 1-based): chr2:169,206,443, T>C on the plus strand (A>G on the coding strand, the complement: LRP2 is on the minus strand). VCF-style: chr2-169206443-T-C. GRCh37 (hg19) VCF-style: chr2-170062953-T-C.
Other names: c.7277A>G (NM_004525.2); short protein forms Y2426C.
Identifiers: ClinVar variation 1922621 (VCV001922621.3), dbSNP rs1688390447, ClinGen allele CA349171154.

ClinVar aggregate classification (germline): Uncertain significance. Review status: criteria provided, multiple submitters, no conflicts (2 of 4 stars). 2 submissions from 2 submitters: Uncertain significance (2). Last evaluated 2024-06-10.

Conditions:
Inborn genetic diseases. Identifiers: MedGen C0950123, MeSH D030342.

Allele frequency attached by ClinVar (database versions not stated): TOPMed 0.00001.

Submissions (2):

Ambry Genetics
Classification: Uncertain significance for Inborn genetic diseases. Last evaluated: 2024-06-10. Review status: criteria provided, single submitter. Criteria: Ambry Variant Classification Scheme 2023. Collection method: clinical testing. Allele origin: germline.

Labcorp Genetics (formerly Invitae), Labcorp
Classification: Uncertain significance. Last evaluated: 2022-10-13. Review status: criteria provided, single submitter. Criteria: Invitae Variant Classification Sherloc (09022015). Collection method: clinical testing. Allele origin: germline.
Comment: This sequence change replaces tyrosine, which is neutral and polar, with cysteine, which is neutral and slightly polar, at codon 2426 of the LRP2 protein (p.Tyr2426Cys). This variant is not present in population databases (gnomAD no frequency). This variant has not been reported in the literature in individuals affected with LRP2-related conditions. Advanced modeling of protein sequence and biophysical properties (such as structural, functional, and spatial information, amino acid conservation, physicochemical variation, residue mobility, and thermodynamic stability) performed at Invitae indicates that this missense variant is expected to disrupt LRP2 protein function. In summary, the available evidence is currently insufficient to determine the role of this variant in disease. Therefore, it has been classified as a Variant of Uncertain Significance.